The following is an entry in ClinVar:

NM_004385.5(VCAN):c.9713G>A (p.Arg3238His)

Genes: VCAN-AS1 (VCAN antisense RNA 1; minus strand), VCAN (versican; plus strand), LOC126807443 (BRD4-independent group 4 enhancer GRCh37_chr5:82849966-82851165; plus strand). Cytogenetic location: 5q14.3.
Variant type: single nucleotide variant.
Coding change: c.9713G>A on transcript NM_004385.5 (MANE Select); coding-DNA position 9713, G replaced by A.
Protein change: p.Arg3238His; replaces arginine 3238 with histidine.
Molecular consequence: missense variant.
Genome position (GRCh38, 1-based): chr5:83,555,016, G>A. VCF-style: chr5-83555016-G-A. GRCh37 (hg19) VCF-style: chr5-82850835-G-A.
Other names: c.1490G>A, p.Arg497His (NM_001126336.3); c.6752G>A, p.Arg2251His (NM_001164097.2); c.4451G>A, p.Arg1484His (NM_001164098.2); short protein forms R1484H, R3238H, R497H, R2251H.
Identifiers: ClinVar variation 2047516 (VCV002047516.7), dbSNP rs138263053, ClinGen allele CA3334071.
Genomic context (GRCh38, chr5:83,555,016, plus strand): 5'-GTGTGGGCCATGATTATCAGTGGATAGGCCTCAATGACAAGATGTTTGAGCATGACTTCC[G>A]TTGGACTGATGGCAGCACACTGGTAAGATGCCCTTGAAAATGATGTCAAGTTCTACCTTC-3'
Protein context (NP_004376.2, residues 3228-3248): LNDKMFEHDF[Arg3238His]WTDGSTLQYE

ClinVar aggregate classification (germline): Conflicting classifications of pathogenicity. Review status: criteria provided, conflicting classifications (1 of 4 stars). 3 submissions from 3 submitters: Uncertain significance (2); Likely benign (1). Last evaluated 2025-04-13.

Conditions:
Inborn genetic diseases. Identifiers: MedGen C0950123, MeSH D030342.

Allele frequency attached by ClinVar (database versions not stated): gnomAD 0.00001; TOPMed 0.00004; ExAC 0.00006; ESP Exome Variant Server 0.00008.
gnomAD v4.1: 102 of 1,613,546 alleles (0.0063%); highest among the groups gnomAD compares: Non-Finnish European, 0.0081%; no homozygotes.

Submissions (3):

Ambry Genetics
Classification: Uncertain significance for Inborn genetic diseases. Last evaluated: 2025-04-13. Review status: criteria provided, single submitter. Criteria: Ambry Variant Classification Scheme 2023. Collection method: clinical testing. Allele origin: germline.

Labcorp Genetics (formerly Invitae), Labcorp
Classification: Uncertain significance. Last evaluated: 2025-02-09. Review status: criteria provided, single submitter. Criteria: Invitae Variant Classification Sherloc (09022015). Collection method: clinical testing. Allele origin: germline.
Comment: This sequence change replaces arginine, which is basic and polar, with histidine, which is basic and polar, at codon 3238 of the VCAN protein (p.Arg3238His). This variant is present in population databases (rs138263053, gnomAD 0.006%). This variant has not been reported in the literature in individuals affected with VCAN-related conditions. ClinVar contains an entry for this variant (Variation ID: 2047516). An algorithm developed to predict the effect of missense changes on protein structure and function (PolyPhen-2) suggests that this variant is likely to be disruptive. In summary, the available evidence is currently insufficient to determine the role of this variant in disease. Therefore, it has been classified as a Variant of Uncertain Significance.

Blueprint Genetics
Classification: Likely benign. Last evaluated: 2024-10-07. Review status: criteria provided, single submitter. Criteria: ACMG Guidelines, 2015. Collection method: clinical testing. Allele origin: germline.